The following is an entry in ClinVar:

NM_001405607.1(PBRM1):c.4901C>T (p.Ala1634Val)

Gene: PBRM1 (polybromo 1; minus strand). Cytogenetic location: 3p21.1.
Variant type: single nucleotide variant.
Coding change: c.4901C>T on transcript NM_001405607.1 (MANE Select); coding-DNA position 4901, C replaced by T.
Protein change: p.Ala1634Val; replaces alanine 1634 with valine.
Molecular consequence: missense variant. On other transcripts: non-coding transcript variant (2).
Genome position (GRCh38, 1-based): chr3:52,550,462, G>A on the plus strand (C>T on the coding strand, the complement: PBRM1 is on the minus strand). VCF-style: chr3-52550462-G-A. GRCh37 (hg19) VCF-style: chr3-52584478-G-A.
Other names: c.4643C>T, p.Ala1548Val (NM_001350074.2, NM_001350078.2, NM_001366070.2); c.4691C>T, p.Ala1564Val (NM_001350075.2, NM_001394872.1, NM_001400474.1 and 9 more transcripts); c.4640C>T, p.Ala1547Val (NM_001350076.2, NM_001405586.1); c.4634C>T, p.Ala1545Val (NM_001350077.2); c.4523C>T, p.Ala1508Val (NM_001350079.2); c.4763C>T, p.Ala1588Val (NM_001366071.2); c.4598C>T, p.Ala1533Val (NM_001366072.2); c.4589C>T, p.Ala1530Val (NM_001366073.2); and 43 more; short protein forms A1512V, A1523V, A1548V, A1564V, A1545V, A1508V, A1530V, A1513V.
Identifiers: ClinVar variation 135008 (VCV000135008.1), dbSNP rs142726131, ClinGen allele CA161382.

ClinVar aggregate classification (germline): not provided (0 of 4 stars; one submission).

Allele frequency attached by ClinVar (database versions not stated): gnomAD 0.00005 and 0.00011; TOPMed 0.00006; gnomAD exomes 0.00012 and 0.00019; ExAC 0.00020; ESP Exome Variant Server 0.00023; 1000 Genomes Project 30x 0.00031; 1000 Genomes Project 0.00040.
gnomAD v4.1: 189 of 1,556,196 alleles (0.012%); highest among the groups gnomAD compares: South Asian, 0.096%; 1 homozygote.

Submission:

ITMI
No classification provided. Condition: AllHighlyPenetrant. Last evaluated: 2013-09-19. Review status: no classification provided. Collection method: reference population. Allele origin: germline.
Comment: Please see associated publication for description of ethnicities

Literature cited by the submitters: PubMed 24728327.